The following is an entry in ClinVar:

ClinVar aggregate classification (germline): Uncertain significance. Review status: criteria provided, multiple submitters, no conflicts (2 of 4 stars). 2 submissions from 2 submitters: Uncertain significance (2). Last evaluated 2025-08-26.

Conditions:
Inborn genetic diseases. Identifiers: MedGen C0950123, MeSH D030342.

Allele frequency attached by ClinVar (database versions not stated): gnomAD 0.00001; TOPMed 0.00001; ExAC 0.00004.
gnomAD v4.1: 10 of 1,361,080 alleles (0.00073%); highest among the groups gnomAD compares: Non-Finnish European, 0.00086%; no homozygotes.

Submissions (2):

Ambry Genetics
Classification: Uncertain significance for Inborn genetic diseases. Last evaluated: 2025-08-26. Review status: criteria provided, single submitter. Criteria: Ambry Variant Classification Scheme 2023. Collection method: clinical testing. Allele origin: germline.

Labcorp Genetics (formerly Invitae), Labcorp
Classification: Uncertain significance. Last evaluated: 2024-10-24. Review status: criteria provided, single submitter. Criteria: Invitae Variant Classification Sherloc (09022015). Collection method: clinical testing. Allele origin: germline.
Comment: This sequence change replaces arginine, which is basic and polar, with serine, which is neutral and polar, at codon 13 of the DHX37 protein (p.Arg13Ser). The frequency data for this variant in the population databases is considered unreliable, as metrics indicate poor data quality at this position in the gnomAD database. This variant has not been reported in the literature in individuals affected with DHX37-related conditions. ClinVar contains an entry for this variant (Variation ID: 2103261). An algorithm developed to predict the effect of missense changes on protein structure and function (PolyPhen-2) suggests that this variant is likely to be tolerated. In summary, the available evidence is currently insufficient to determine the role of this variant in disease. Therefore, it has been classified as a Variant of Uncertain Significance.

NM_032656.4(DHX37):c.37C>A (p.Arg13Ser)

Genes: DHX37 (DEAH-box helicase 37; minus strand), LOC130009166 (ATAC-STARR-seq lymphoblastoid silent region 5073; plus strand). Cytogenetic location: 12q24.31.
Variant type: single nucleotide variant.
Coding change: c.37C>A on transcript NM_032656.4 (MANE Select); coding-DNA position 37, C replaced by A.
Protein change: p.Arg13Ser; replaces arginine 13 with serine.
Molecular consequence: missense variant.
Genome position (GRCh38, 1-based): chr12:124,988,986, G>T on the plus strand (C>A on the coding strand, the complement: DHX37 is on the minus strand). VCF-style: chr12-124988986-G-T. GRCh37 (hg19) VCF-style: chr12-125473532-G-T.
Other names: c.37C>A (NM_032656.3); short protein forms R13S.
Identifiers: ClinVar variation 2103261 (VCV002103261.5), dbSNP rs759290130, ClinGen allele CA6872578.